The following is an entry in ClinVar:

ClinVar aggregate classification (germline): Uncertain significance (1 of 4 stars; one submission).

Submission:

Labcorp Genetics (formerly Invitae), Labcorp
Classification: Uncertain significance. Last evaluated: 2026-01-25. Review status: criteria provided, single submitter. Criteria: Invitae Variant Classification Sherloc (09022015). Collection method: clinical testing. Allele origin: germline.
Comment: This sequence change creates a premature translational stop signal (p.Ala2605Glyfs*9) in the DCHS1 gene. While this is not anticipated to result in nonsense mediated decay, it is expected to disrupt the last 694 amino acid(s) of the DCHS1 protein. This variant is not present in population databases (gnomAD no frequency). This variant has not been reported in the literature in individuals affected with DCHS1-related conditions. Experimental studies and prediction algorithms are not available or were not evaluated, and the functional significance of this variant is currently unknown. In summary, the available evidence is currently insufficient to determine the role of this variant in disease. Therefore, it has been classified as a Variant of Uncertain Significance.

NM_003737.4(DCHS1):c.7813_7814insGATGTCACACA (p.Ala2605fs)

Gene: DCHS1 (dachsous cadherin-related 1; minus strand). Cytogenetic location: 11p15.4.
Variant type: Insertion.
Coding change: c.7813_7814insGATGTCACACA on transcript NM_003737.4 (MANE Select); coding-DNA positions 7813 to 7814, GATGTCACACA inserted.
Protein change: p.Ala2605fs; shifts the reading frame from alanine 2605.
Molecular consequence: frameshift variant.
Genome position: GRCh38 VCF-style: chr11-6623862-G-GTGTGTGACATC. GRCh37 (hg19) VCF-style: chr11-6645093-G-GTGTGTGACATC.
Other names: short protein forms A2605fs.
Identifiers: ClinVar variation 4736168 (VCV004736168.1).
Genomic context (GRCh38, chr11:6,623,862, plus strand): 5'-TCTACATGCAGCAGCTCAGCTCCAACAGGTGTGTCCTCAGGTACTGTCACACGGTAGGAT[G>GTGTGTGACATC]CTCGGGTAAAGACAGGTGGGTTGTCATTGACATCTAGTACAGTGACAGTGACTGGCACGA-3'